The following is an entry in ClinVar:

NM_002485.5(NBN):c.935T>C (p.Leu312Ser)

Gene: NBN (nibrin; minus strand). Cytogenetic location: 8q21.3.
Variant type: single nucleotide variant.
Coding change: c.935T>C on transcript NM_002485.5 (MANE Select); coding-DNA position 935, T replaced by C.
Protein change: p.Leu312Ser; replaces leucine 312 with serine.
Molecular consequence: missense variant.
Genome position (GRCh38, 1-based): chr8:89,964,469, A>G on the plus strand (T>C on the coding strand, the complement: NBN is on the minus strand). VCF-style: chr8-89964469-A-G. GRCh37 (hg19) VCF-style: chr8-90976697-A-G.
Other names: c.689T>C, p.Leu230Ser (NM_001024688.3); short protein forms L312S, L230S.
Identifiers: ClinVar variation 142859 (VCV000142859.34), dbSNP rs371480039, ClinGen allele CA169602.
Genomic context (GRCh38, chr8:89,964,469, plus strand): 5'-CCTGTACTGGGATGGCCCTGAGGATCACAGTAATTCTTTGTAGTCATGAAAATCACCGCC[A>G]ATCCAATTTCTGCTTCAGGAATAGGTCTAAGACCTTGCCTATTAGAATAAAATAGTTTAA-3'
Protein context (NP_002476.2, residues 302-322): LRPIPEAEIG[Leu312Ser]AVIFMTTKNY

ClinVar aggregate classification (germline): Uncertain significance. Review status: criteria provided, multiple submitters, no conflicts (2 of 4 stars). 7 submissions from 7 submitters: Uncertain significance (6). 1 of the submissions does not count toward it. Last evaluated 2025-01-14.

Conditions:
Hereditary cancer-predisposing syndrome. Also called: Tumor predisposition; Neoplastic Syndromes, Hereditary; Hereditary neoplastic syndrome; Hereditary Cancer Syndrome. Identifiers: Orphanet 140162, MedGen C0027672, MeSH D009386, MONDO:0015356.
Aplastic anemia. Identifiers: Orphanet 182040, Orphanet 88, MedGen C0002874, MONDO:0015909, OMIM 609135, HP:0001915.
Microcephaly, normal intelligence and immunodeficiency (NBS). Also called: Microcephaly with normal intelligence immunodeficiency and lymphoreticular malignancies; Nonsyndromal microcephaly autosomal recessive with normal intelligence; Seemanova syndrome 2; Immunodeficiency, microcephaly with normal intelligence; Ataxia telangiectasia variant V1; BERLIN BREAKAGE SYNDROME. Identifiers: Orphanet 647, MedGen C0398791, MONDO:0009623, OMIM 251260.

Allele frequency attached by ClinVar (database versions not stated): gnomAD exomes below 0.00001 and 0.00001; ExAC 0.00002; gnomAD 0.00003; ESP Exome Variant Server 0.00008; TOPMed 0.00008.
gnomAD v4.1: 8 of 1,611,910 alleles (0.0005%); highest among the groups gnomAD compares: African/African-American, 0.011%; no homozygotes.

Submissions (7):

Labcorp Genetics (formerly Invitae), Labcorp
Classification: Uncertain significance for Microcephaly, normal intelligence and immunodeficiency. Last evaluated: 2025-01-14. Review status: criteria provided, single submitter. Criteria: Invitae Variant Classification Sherloc (09022015). Collection method: clinical testing. Allele origin: germline.
Comment: This sequence change replaces leucine, which is neutral and non-polar, with serine, which is neutral and polar, at codon 312 of the NBN protein (p.Leu312Ser). This variant is present in population databases (rs371480039, gnomAD 0.02%). This variant has not been reported in the literature in individuals affected with NBN-related conditions. ClinVar contains an entry for this variant (Variation ID: 142859). An algorithm developed to predict the effect of missense changes on protein structure and function (PolyPhen-2) suggests that this variant is likely to be disruptive. In summary, the available evidence is currently insufficient to determine the role of this variant in disease. Therefore, it has been classified as a Variant of Uncertain Significance.

Baylor Genetics
Classification: Uncertain significance for Aplastic anemia. Last evaluated: 2024-02-29. Review status: criteria provided, single submitter. Criteria: ACMG Guidelines, 2015. Collection method: clinical testing. Allele origin: unknown.

GeneDx
Classification: Uncertain significance. Last evaluated: 2023-08-08. Review status: criteria provided, single submitter. Criteria: GeneDx Variant Classification Process June 2021. Collection method: clinical testing. Allele origin: germline. Affected: yes.
Comment: Not observed at significant frequency in large population cohorts (gnomAD); In silico analysis supports that this missense variant has a deleterious effect on protein structure/function; Has not been previously published as pathogenic or benign to our knowledge; This variant is associated with the following publications: (PMID: 24894818)

Ambry Genetics
Classification: Uncertain significance for Hereditary cancer-predisposing syndrome. Last evaluated: 2023-02-15. Review status: criteria provided, single submitter. Criteria: Ambry Variant Classification Scheme 2023. Collection method: clinical testing. Allele origin: germline.
Comment: The p.L312S variant (also known as c.935T>C), located in coding exon 8 of the NBN gene, results from a T to C substitution at nucleotide position 935. The leucine at codon 312 is replaced by serine, an amino acid with dissimilar properties. This amino acid position is highly conserved in available vertebrate species. In addition, this alteration is predicted to be deleterious by in silico analysis. Since supporting evidence is limited at this time, the clinical significance of this alteration remains unclear.

Sema4
Classification: Uncertain significance for Hereditary cancer-predisposing syndrome. Last evaluated: 2021-12-17. Review status: criteria provided, single submitter. Criteria: Sema4 Curation Guidelines. Collection method: curation. Allele origin: germline.
Comment: The NBN c.935T>C (p.L312S) variant has not been reported in the literature to our knowledge. It was observed in 3/16254 chromosomes of the African/African American subpopulation in the large and broad cohorts of the Genome Aggregation Database (PMID: 32461654). The variant has been reported in ClinVar (Variation ID: 142859). Functional studies have not been performed, and in silico predictions of the variant's effect on protein function are inconclusive. The evidence is insufficient to meet ACMG/AMP criteria for classifying the variant as benign or pathogenic. Thus, the clinical significance of this variant is currently uncertain.

Genome-Nilou Lab
Classification: Uncertain significance for Microcephaly, normal intelligence and immunodeficiency. Last evaluated: 2021-11-07. Review status: criteria provided, single submitter. Criteria: ACMG Guidelines, 2015. Collection method: clinical testing. Allele origin: germline. Affected: no.

Natera, Inc.
Classification: Uncertain significance for Nijmegen breakage syndrome. Last evaluated: 2020-03-21. Review status: no assertion criteria provided. Collection method: clinical testing. Allele origin: germline. Not counted in ClinVar's aggregate classification.